The following is an entry in ClinVar:

ClinVar aggregate classification (germline): Likely benign. Review status: criteria provided, multiple submitters, no conflicts (2 of 4 stars). 2 submissions from 2 submitters: Likely benign (2). Last evaluated 2025-09-21.

gnomAD v4.1: 213 of 1,235,028 alleles (0.017%); highest among the groups gnomAD compares: Admixed American, 0.03%; no homozygotes.

Submissions (2):

Labcorp Genetics (formerly Invitae), Labcorp
Classification: Likely benign. Last evaluated: 2025-09-21. Review status: criteria provided, single submitter. Criteria: Invitae Variant Classification Sherloc (09022015). Collection method: clinical testing. Allele origin: germline.

CeGaT Center for Human Genetics Tuebingen
Classification: Likely benign. Last evaluated: 2025-06-01. Review status: criteria provided, single submitter. Criteria: CeGaT Center For Human Genetics Tuebingen Variant Classification Criteria Version 2. Collection method: clinical testing. Allele origin: germline. Affected: yes. Observed: 6 variant alleles.
Comment: FBXO11: BP4, BP7

NM_001190274.2(FBXO11):c.183A>G (p.Pro61=)

Gene: FBXO11 (F-box protein 11; minus strand). Cytogenetic location: 2p16.3.
Variant type: single nucleotide variant.
Coding change: c.183A>G on transcript NM_001190274.2 (MANE Select); coding-DNA position 183, A replaced by G.
Protein change: p.Pro61=; no amino-acid change (proline 61 retained).
Molecular consequence: synonymous variant.
Genome position (GRCh38, 1-based): chr2:47,905,538, T>C on the plus strand (A>G on the coding strand, the complement: FBXO11 is on the minus strand). VCF-style: chr2-47905538-T-C. GRCh37 (hg19) VCF-style: chr2-48132677-T-C.
Identifiers: ClinVar variation 1578230 (VCV001578230.32), dbSNP rs975952587, ClinGen allele CA47236576.